The following is an entry in ClinVar:

ClinVar aggregate classification (germline): Uncertain significance (1 of 4 stars; one submission).

Conditions:
COG1 congenital disorder of glycosylation (CDG2G). Also called: CONGENITAL DISORDER OF GLYCOSYLATION, TYPE IIg; CDG IIg; CDGII/COG1 CEREBROCOSTOMANDIBULAR-LIKE SYNDROME. Identifiers: Orphanet 263508, MedGen C2931011, MONDO:0012637, OMIM 611209.

Allele frequency attached by ClinVar (database versions not stated): ExAC 0.00001; gnomAD exomes 0.00001; gnomAD 0.00003; TOPMed 0.00005; 1000 Genomes Project 30x 0.00016; 1000 Genomes Project 0.00020.
gnomAD v4.1: 21 of 1,611,576 alleles (0.0013%); highest among the groups gnomAD compares: African/African-American, 0.017%; no homozygotes.

Submission:

Labcorp Genetics (formerly Invitae), Labcorp
Classification: Uncertain significance for COG1 congenital disorder of glycosylation. Last evaluated: 2022-07-12. Review status: criteria provided, single submitter. Criteria: Invitae Variant Classification Sherloc (09022015). Collection method: clinical testing. Allele origin: germline.
Comment: This variant has not been reported in the literature in individuals affected with COG1-related conditions. ClinVar contains an entry for this variant (Variation ID: 1431823). Algorithms developed to predict the effect of missense changes on protein structure and function are either unavailable or do not agree on the potential impact of this missense change (SIFT: "Tolerated"; PolyPhen-2: "Possibly Damaging"; Align-GVGD: "Class C0"). In summary, the available evidence is currently insufficient to determine the role of this variant in disease. Therefore, it has been classified as a Variant of Uncertain Significance. This variant is present in population databases (rs527295185, gnomAD 0.01%). This sequence change replaces arginine, which is basic and polar, with leucine, which is neutral and non-polar, at codon 16 of the COG1 protein (p.Arg16Leu).

NM_018714.3(COG1):c.47G>T (p.Arg16Leu)

Genes: COG1 (component of oligomeric golgi complex 1; plus strand), LOC130061576 (ATAC-STARR-seq lymphoblastoid active region 12690; plus strand). Cytogenetic location: 17q25.1.
Variant type: single nucleotide variant.
Coding change: c.47G>T on transcript NM_018714.3 (MANE Select); coding-DNA position 47, G replaced by T.
Protein change: p.Arg16Leu; replaces arginine 16 with leucine.
Molecular consequence: missense variant.
Genome position (GRCh38, 1-based): chr17:73,193,116, G>T. VCF-style: chr17-73193116-G-T. GRCh37 (hg19) VCF-style: chr17-71189255-G-T.
Other names: short protein forms R16L.
Identifiers: ClinVar variation 1431823 (VCV001431823.5), dbSNP rs527295185, ClinGen allele CA8739878.